The following is an entry in ClinVar:

NM_000059.4(BRCA2):c.2777C>A (p.Thr926Asn)

Gene: BRCA2 (BRCA2 DNA repair associated; plus strand). Cytogenetic location: 13q13.1.
Variant type: single nucleotide variant.
Coding change: c.2777C>A on transcript NM_000059.4 (MANE Select); coding-DNA position 2777, C replaced by A.
Protein change: p.Thr926Asn; replaces threonine 926 with asparagine.
Molecular consequence: missense variant.
Genome position (GRCh38, 1-based): chr13:32,337,132, C>A. VCF-style: chr13-32337132-C-A. GRCh37 (hg19) VCF-style: chr13-32911269-C-A.
Other names: c.2777C>A, p.Thr926Asn (NM_001406719.1, NM_001406720.1); short protein forms T926N.
Identifiers: ClinVar variation 1999392 (VCV001999392.9), dbSNP rs1555282841, ClinGen allele CA387773699.

ClinVar aggregate classification (germline): Conflicting classifications of pathogenicity. Review status: criteria provided, conflicting classifications (1 of 4 stars). 3 submissions from 3 submitters: Uncertain significance (2); Likely benign (1). Last evaluated 2025-05-17.

Conditions:
Hereditary breast ovarian cancer syndrome. Also called: Breast and ovarian cancer; Hereditary breast and ovarian cancer syndrome; BRCA1- and BRCA2-Associated Hereditary Breast and Ovarian Cancer; Hereditary breast and ovarian cancer syndrome (HBOC); Hereditary breast and/or ovarian cancer syndrome; Hereditary breast and ovarian cancer. Identifiers: Orphanet 145, MedGen C0677776, MeSH D061325, MONDO:0003582. Disease mechanism: loss of function.
Hereditary cancer-predisposing syndrome. Also called: Neoplastic Syndromes, Hereditary; Hereditary neoplastic syndrome; Tumor predisposition; Hereditary Cancer Syndrome. Identifiers: Orphanet 140162, MedGen C0027672, MeSH D009386, MONDO:0015356.

Submissions (3):

Ambry Genetics
Classification: Uncertain significance for Hereditary cancer-predisposing syndrome. Last evaluated: 2025-05-17. Review status: criteria provided, single submitter. Criteria: Ambry Variant Classification Scheme 2023. Collection method: clinical testing. Allele origin: germline.
Comment: The p.T926N variant (also known as c.2777C>A), located in coding exon 10 of the BRCA2 gene, results from a C to A substitution at nucleotide position 2777. The threonine at codon 926 is replaced by asparagine, an amino acid with similar properties. This amino acid position is conserved. In addition, this alteration is predicted to be tolerated by in silico analysis. Since supporting evidence is limited at this time, the clinical significance of this alteration remains unclear.

University of Washington Department of Laboratory Medicine, University of Washington
Classification: Likely benign for Hereditary cancer-predisposing syndrome. Last evaluated: 2023-03-23. Review status: criteria provided, single submitter. Criteria: Dines et al. (Genet Med. 2020). Collection method: curation. Allele origin: germline.
Comment: Missense variant in a coldspot region where missense variants are very unlikely to be pathogenic (PMID:31911673).

BRCA2 exon 11 coldspot. Reclassification based on statistical prior probability.

Labcorp Genetics (formerly Invitae), Labcorp
Classification: Uncertain significance for Hereditary breast ovarian cancer syndrome. Last evaluated: 2022-05-27. Review status: criteria provided, single submitter. Criteria: Invitae Variant Classification Sherloc (09022015). Collection method: clinical testing. Allele origin: germline.
Comment: In summary, the available evidence is currently insufficient to determine the role of this variant in disease. Therefore, it has been classified as a Variant of Uncertain Significance. Advanced modeling of protein sequence and biophysical properties (such as structural, functional, and spatial information, amino acid conservation, physicochemical variation, residue mobility, and thermodynamic stability) performed at Invitae indicates that this missense variant is not expected to disrupt BRCA2 protein function. This variant has not been reported in the literature in individuals affected with BRCA2-related conditions. This variant is not present in population databases (gnomAD no frequency). This sequence change replaces threonine, which is neutral and polar, with asparagine, which is neutral and polar, at codon 926 of the BRCA2 protein (p.Thr926Asn).